The following is an entry in ClinVar:

NM_006565.4(CTCF):c.2002del (p.Thr668fs)

Gene: CTCF (CCCTC-binding factor; plus strand). Cytogenetic location: 16q22.1.
Variant type: Deletion.
Coding change: c.2002del on transcript NM_006565.4 (MANE Select); coding-DNA position 2002, one base deleted (A; older notation c.2002delA).
Protein change: p.Thr668fs; shifts the reading frame from threonine 668.
Molecular consequence: frameshift variant. On other transcripts: intron variant (2).
Genome position (GRCh38, 1-based): chr16:67,637,690, A deleted; the last of 2 consecutive A bases (chr16:67,637,689-67,637,690); deleting either gives the same sequence. VCF-style (leftmost placement, unchanged base first): chr16-67637688-CA-C. GRCh37 (hg19) VCF-style: chr16-67671591-CA-C.
Other names: c.1018del, p.Thr340fs (NM_001191022.2); c.2002del, p.Thr668fs (NM_001438968.1); c.2000-4del (NM_001438969.1, NM_001363916.2); short protein forms T340fs, T668fs.
Identifiers: ClinVar variation 4883924 (VCV004883924.2).

ClinVar aggregate classification (germline): Uncertain significance (1 of 4 stars; one submission).

Submission:

Dasa
Classification: Uncertain significance. Last evaluated: 2024-10-08. Review status: criteria provided, single submitter. Criteria: DASA Assertion Criteria. Collection method: clinical testing. Allele origin: germline.
Comment: NM_006565.4(CTCF):c.2002del (p.Thr668Glnfs*18) is a frameshift variant in CTCF predicted to alter the reading frame and introduce a premature termination codon and is predicted to result in an absent or altered protein product. Loss of function is an established disease mechanism for CTCF (PMID: 23746550; PMID: 30893510; PMID: 31239556). Also, this variant is absent from population databases. The currently available literature and clinical evidence are not sufficient to establish a definitive association between this variant and the reported condition. Therefore, this variant is classified as a variant of uncertain significance.

Literature cited by the submitters: PubMed 23746550; PubMed 30893510; PubMed 31239556.